The following is an entry in ClinVar:

ClinVar aggregate classification (germline): Uncertain significance. Review status: criteria provided, multiple submitters, no conflicts (2 of 4 stars). 3 submissions from 3 submitters: Uncertain significance (3). Last evaluated 2026-03-13.

Allele frequency attached by ClinVar (database versions not stated): gnomAD exomes 0.00001 and 0.00002; ExAC 0.00002.
gnomAD v4.1: 10 of 1,610,644 alleles (0.00062%); highest among the groups gnomAD compares: South Asian, 0.0099%; no homozygotes.

Submissions (3):

GeneDx
Classification: Uncertain significance. Last evaluated: 2026-03-13. Review status: criteria provided, single submitter. Criteria: GeneDx Variant Classification Process June 2021. Collection method: clinical testing. Allele origin: germline.
Comment: In silico analysis supports that this missense variant has a deleterious effect on protein structure/function; Has not been previously published as pathogenic or benign to our knowledge

Labcorp Genetics (formerly Invitae), Labcorp
Classification: Uncertain significance. Last evaluated: 2025-08-24. Review status: criteria provided, single submitter. Criteria: Invitae Variant Classification Sherloc (09022015). Collection method: clinical testing. Allele origin: germline.
Comment: This sequence change replaces proline, which is neutral and non-polar, with serine, which is neutral and polar, at codon 493 of the COL18A1 protein (p.Pro493Ser). This variant is present in population databases (rs759046238, gnomAD 0.01%). This variant has not been reported in the literature in individuals affected with COL18A1-related conditions. ClinVar contains an entry for this variant (Variation ID: 1505652). Experimental studies and prediction algorithms are not available or were not evaluated, and the functional significance of this variant is currently unknown. In summary, the available evidence is currently insufficient to determine the role of this variant in disease. Therefore, it has been classified as a Variant of Uncertain Significance.

Blueprint Genetics
Classification: Uncertain significance. Last evaluated: 2017-09-07. Review status: criteria provided, single submitter. Criteria: ACMG Guidelines, 2015. Collection method: clinical testing. Allele origin: germline.

NM_001379500.1(COL18A1):c.1477C>T (p.Pro493Ser)

Gene: COL18A1 (collagen type XVIII alpha 1 chain; plus strand). Cytogenetic location: 21q22.3.
Variant type: single nucleotide variant.
Coding change: c.1477C>T on transcript NM_001379500.1 (MANE Select); coding-DNA position 1477, C replaced by T.
Protein change: p.Pro493Ser; replaces proline 493 with serine.
Molecular consequence: missense variant.
Genome position (GRCh38, 1-based): chr21:45,480,724, C>T. VCF-style: chr21-45480724-C-T. GRCh37 (hg19) VCF-style: chr21-46900638-C-T.
Other names: NM_130445.2:c.1477C>T; c.2017C>T, p.Pro673Ser (NM_030582.4); c.2722C>T, p.Pro908Ser (NM_130444.3); short protein forms P673S, P493S, P908S.
Identifiers: ClinVar variation 1505652 (VCV001505652.10), dbSNP rs759046238, ClinGen allele CA10066357.
Genomic context (GRCh38, chr21:45,480,724, plus strand): 5'-CATGGGCTGTGACTATCTGTGTTCGCCCACGTCCAGGGTCCTCGAGGCTTCCCTGGACCT[C>T]CCGGACCCCCCGGTGTCCCAGGCCTGCCCGGCGAGCCAGGCCGCTTTGGGGTGAACAGCT-3'
Protein context (NP_001366429.1, residues 483-503): LRGPRGFPGP[Pro493Ser]GPPGVPGLPG